The following is an entry in ClinVar:

ClinVar aggregate classification (germline): Uncertain significance (1 of 4 stars; one submission).

Conditions:
Charcot-Marie-Tooth disease type 4. Also called: Charcot-Marie-Tooth, Type 4; Charcot-Marie-Tooth disease, type IV. Identifiers: Orphanet 64749, MedGen C4082197, MONDO:0018995.

Allele frequency attached by ClinVar (database versions not stated): gnomAD exomes below 0.00001.
gnomAD v4.1: 1 of 1,613,084 alleles (0.000062%); highest among the groups gnomAD compares: Non-Finnish European, 0.000085%; no homozygotes.

Submission:

Labcorp Genetics (formerly Invitae), Labcorp
Classification: Uncertain significance for Charcot-Marie-Tooth disease type 4. Last evaluated: 2022-01-01. Review status: criteria provided, single submitter. Criteria: Invitae Variant Classification Sherloc (09022015). Collection method: clinical testing. Allele origin: germline.
Comment: In summary, the available evidence is currently insufficient to determine the role of this variant in disease. Therefore, it has been classified as a Variant of Uncertain Significance. Algorithms developed to predict the effect of missense changes on protein structure and function (SIFT, PolyPhen-2, Align-GVGD) all suggest that this variant is likely to be tolerated. This variant has not been reported in the literature in individuals affected with MTMR2-related conditions. This variant is not present in population databases (gnomAD no frequency). This sequence change replaces lysine, which is basic and polar, with glutamic acid, which is acidic and polar, at codon 603 of the MTMR2 protein (p.Lys603Glu).

NM_016156.6(MTMR2):c.1807A>G (p.Lys603Glu)

Gene: MTMR2 (myotubularin related protein 2; minus strand). Cytogenetic location: 11q21.
Variant type: single nucleotide variant.
Coding change: c.1807A>G on transcript NM_016156.6 (MANE Select); coding-DNA position 1807, A replaced by G.
Protein change: p.Lys603Glu; replaces lysine 603 with glutamic acid.
Molecular consequence: missense variant.
Genome position (GRCh38, 1-based): chr11:95,835,415, T>C on the plus strand (A>G on the coding strand, the complement: MTMR2 is on the minus strand). VCF-style: chr11-95835415-T-C. GRCh37 (hg19) VCF-style: chr11-95568579-T-C.
Other names: c.1591A>G, p.Lys531Glu (NM_201278.3, NM_201281.3, NM_001243571.2); short protein forms K531E, K603E.
Identifiers: ClinVar variation 2059662 (VCV002059662.4), dbSNP rs2496390471, ClinGen allele CA382412916.